The following is an entry in ClinVar:

ClinVar aggregate classification (germline): Uncertain significance. Review status: criteria provided, multiple submitters, no conflicts (2 of 4 stars). 2 submissions from 2 submitters: Uncertain significance (2). Last evaluated 2024-06-07.

Allele frequency attached by ClinVar (database versions not stated): gnomAD exomes 0.00004; ExAC 0.00005; gnomAD 0.00005; TOPMed 0.00010.
gnomAD v4.1: 34 of 1,613,934 alleles (0.0021%); highest among the groups gnomAD compares: Admixed American, 0.043%; no homozygotes.

Submissions (2):

Ambry Genetics
Classification: Uncertain significance. Last evaluated: 2024-06-07. Review status: criteria provided, single submitter. Criteria: Ambry Variant Classification Scheme 2023. Collection method: clinical testing. Allele origin: germline.

GeneDx
Classification: Uncertain significance. Last evaluated: 2022-09-28. Review status: criteria provided, single submitter. Criteria: GeneDx Variant Classification Process June 2021. Collection method: clinical testing. Allele origin: germline. Affected: yes.
Comment: Has not been previously published as pathogenic or benign to our knowledge; In silico analysis supports that this missense variant does not alter protein structure/function

NM_024640.4(YRDC):c.658G>A (p.Val220Ile)

Gene: YRDC (yrdC N6-threonylcarbamoyltransferase domain containing; minus strand). Cytogenetic location: 1p34.3.
Variant type: single nucleotide variant.
Coding change: c.658G>A on transcript NM_024640.4 (MANE Select); coding-DNA position 658, G replaced by A.
Protein change: p.Val220Ile; replaces valine 220 with isoleucine.
Molecular consequence: missense variant.
Genome position (GRCh38, 1-based): chr1:37,804,411, C>T on the plus strand (G>A on the coding strand, the complement: YRDC is on the minus strand). VCF-style: chr1-37804411-C-T. GRCh37 (hg19) VCF-style: chr1-38270083-C-T.
Other names: short protein forms V220I.
Identifiers: ClinVar variation 2497825 (VCV002497825.2), dbSNP rs534091980, ClinGen allele CA774744.
Genomic context (GRCh38, chr1:37,804,411, plus strand): 5'-CAGTTGAGCCAAGGCGACACTCGGGGCTCTGGCCATCCCCAATTTGTCCCCCATCAATAA[C>T]CAAGGACAACTGAGGCCAGAGATCCTGGAACTCCTGAGAAGAGGGAGAAGGAAGAGCATG-3'
Protein context (NP_078916.3, residues 210-230): FQDLWPQLSL[Val220Ile]IDGGQIGDGQ